The following is an entry in ClinVar:

NM_000179.3(MSH6):c.4055_4057dup (p.Leu1353Ter)

Gene: MSH6 (mutS homolog 6; plus strand). Cytogenetic location: 2p16.3.
Variant type: Duplication.
Coding change: c.4055_4057dup on transcript NM_000179.3 (MANE Select); coding-DNA positions 4055 to 4057, 3 bases duplicated (AAT; older notation c.4055_4057dupAAT).
Protein change: p.Leu1353Ter; replaces leucine 1353 with a stop codon.
Molecular consequence: nonsense.
Genome position (GRCh38, 1-based): chr2:47,806,832-47,806,834, AAT duplicated. VCF-style (leftmost placement, unchanged base first): chr2-47806831-A-AAAT. GRCh37 (hg19) VCF-style: chr2-48033970-A-AAAT.
Other names: c.3665_3667dup, p.Leu1223Ter (NM_001281492.2); c.3149_3151dup, p.Leu1051Ter (NM_001281493.2, NM_001281494.2); c.4055_4057dupAAT (NM_000179.2); short protein forms L1051*, L1353*, L1223*.
Identifiers: ClinVar variation 1369700 (VCV001369700.7), dbSNP rs2104583736, ClinGen allele CA2573134813.

ClinVar aggregate classification (germline): Uncertain significance. Review status: criteria provided, multiple submitters, no conflicts (2 of 4 stars). 2 submissions from 2 submitters: Uncertain significance (2). Last evaluated 2025-02-26.

Conditions:
Hereditary nonpolyposis colorectal neoplasms. Identifiers: MedGen C0009405, MeSH D003123.
Hereditary cancer-predisposing syndrome. Also called: Neoplastic Syndromes, Hereditary; Tumor predisposition; Hereditary neoplastic syndrome; Hereditary Cancer Syndrome. Identifiers: Orphanet 140162, MedGen C0027672, MeSH D009386, MONDO:0015356.

Allele frequency attached by ClinVar (database versions not stated): gnomAD exomes below 0.00001.

Submissions (2):

Ambry Genetics
Classification: Uncertain significance for Hereditary cancer-predisposing syndrome. Last evaluated: 2025-02-26. Review status: criteria provided, single submitter. Criteria: Ambry Variant Classification Scheme 2023. Collection method: clinical testing. Allele origin: germline.
Comment: The c.4055_4057dupAAT variant (also known as p.K1352_L1353ins*), located in coding exon 10 of the MSH6 gene, results from an in-frame duplication of AAT at nucleotide positions 4055 to 4057. This results in the deletion of 2 residues and insertion of a stop codon at codons 1352 and 1353 (p.K1352_L1353ins*). Of note, this alteration is also known as p.L1353*. This alteration occurs at the 3' terminus of theMSH6 gene, is not expected to trigger nonsense-mediated mRNAdecay, and impacts the last 8 AA of the protein. The exact functional effect of this alteration is unknown. Based on the available evidence, the clinical significance of this variant remains unclear.

Labcorp Genetics (formerly Invitae), Labcorp
Classification: Uncertain significance for Hereditary nonpolyposis colorectal neoplasms. Last evaluated: 2022-09-19. Review status: criteria provided, single submitter. Criteria: Invitae Variant Classification Sherloc (09022015). Collection method: clinical testing. Allele origin: germline.
Comment: This sequence change creates a premature translational stop signal (p.Leu1353*) in the MSH6 gene. While this is not anticipated to result in nonsense mediated decay, it is expected to disrupt the last 8 amino acid(s) of the MSH6 protein. This variant is not present in population databases (gnomAD no frequency). In summary, the available evidence is currently insufficient to determine the role of this variant in disease. Therefore, it has been classified as a Variant of Uncertain Significance. Algorithms developed to predict the effect of sequence changes on RNA splicing suggest that this variant may disrupt the consensus splice site. ClinVar contains an entry for this variant (Variation ID: 1369700). This variant has not been reported in the literature in individuals affected with MSH6-related conditions.